The following is an entry in ClinVar:

NM_018105.3(THAP1):c.314T>C (p.Leu105Ser)

Gene: THAP1 (THAP domain containing 1; minus strand). Cytogenetic location: 8p11.21.
Variant type: single nucleotide variant.
Coding change: c.314T>C on transcript NM_018105.3 (MANE Select); coding-DNA position 314, T replaced by C.
Protein change: p.Leu105Ser; replaces leucine 105 with serine.
Molecular consequence: missense variant.
Genome position (GRCh38, 1-based): chr8:42,838,290, A>G on the plus strand (T>C on the coding strand, the complement: THAP1 is on the minus strand). VCF-style: chr8-42838290-A-G. GRCh37 (hg19) VCF-style: chr8-42693433-A-G.
Other names: c.118T>C, p.Tyr40His (NM_199003.2); short protein forms L105S, Y40H.
Identifiers: ClinVar variation 2721585 (VCV002721585.3), dbSNP rs762418293, ClinGen allele CA4734557.

ClinVar aggregate classification (germline): Uncertain significance (1 of 4 stars; one submission).

Conditions:
Torsion dystonia 6 (DYT6). Also called: DYT-THAP1. Identifiers: Orphanet 98806, MedGen C1414216, MONDO:0011264, OMIM 602629.

Allele frequency attached by ClinVar (database versions not stated): ExAC 0.00001; gnomAD exomes 0.00001; TOPMed 0.00005; gnomAD 0.00006.
gnomAD v4.1: 16 of 1,613,954 alleles (0.00099%); highest among the groups gnomAD compares: African/African-American, 0.021%; no homozygotes.

Submission:

Labcorp Genetics (formerly Invitae), Labcorp
Classification: Uncertain significance for Torsion dystonia 6. Last evaluated: 2023-09-12. Review status: criteria provided, single submitter. Criteria: Invitae Variant Classification Sherloc (09022015). Collection method: clinical testing. Allele origin: germline.
Comment: In summary, the available evidence is currently insufficient to determine the role of this variant in disease. Therefore, it has been classified as a Variant of Uncertain Significance. This sequence change replaces leucine, which is neutral and non-polar, with serine, which is neutral and polar, at codon 105 of the THAP1 protein (p.Leu105Ser). This variant is present in population databases (rs762418293, gnomAD 0.02%). This missense change has been observed in individual(s) with masticatory dystonia (PMID: 26944167). Algorithms developed to predict the effect of missense changes on protein structure and function output the following: SIFT: "Not Available"; PolyPhen-2: "Benign"; Align-GVGD: "Not Available". The serine amino acid residue is found in multiple mammalian species, which suggests that this missense change does not adversely affect protein function.

Literature cited by the submitters: PubMed 26944167.